The following is an entry in ClinVar:

NM_018474.6(KIZ):c.752G>T (p.Cys251Phe)

Gene: KIZ (kizuna centrosomal protein; plus strand). Cytogenetic location: 20p11.23.
Variant type: single nucleotide variant.
Coding change: c.752G>T on transcript NM_018474.6 (MANE Select); coding-DNA position 752, G replaced by T.
Protein change: p.Cys251Phe; replaces cysteine 251 with phenylalanine.
Molecular consequence: missense variant.
Genome position (GRCh38, 1-based): chr20:21,162,217, G>T. VCF-style: chr20-21162217-G-T. GRCh37 (hg19) VCF-style: chr20-21142858-G-T.
Other names: c.443G>T, p.Cys148Phe (NM_001163022.3, NM_001352435.2); c.353G>T, p.Cys118Phe (NM_001163023.3); c.605G>T, p.Cys202Phe (NM_001276389.2); c.752G>T, p.Cys251Phe (NM_001352434.2); c.410G>T, p.Cys137Phe (NM_001352436.2); short protein forms C148F, C118F, C137F, C202F, C251F.
Identifiers: ClinVar variation 3008351 (VCV003008351.3), dbSNP rs2519756555, ClinGen allele CA408492655.
Genomic context (GRCh38, chr20:21,162,217, plus strand): 5'-AGATTGGTGAGAAAATGCCAGTCACAGCCAGTGTATTGTCTGAGGAGGAACAAACTCATT[G>T]CTTGGAGATAGGAAGTAACACACGTCATGGCAAGAGTAATTTATCTGAAGGCAAAAAGTC-3'
Protein context (NP_060944.3, residues 241-261): SVLSEEEQTH[Cys251Phe]LEIGSNTRHG

ClinVar aggregate classification (germline): Uncertain significance (1 of 4 stars; one submission).

Allele frequency attached by ClinVar (database versions not stated): gnomAD exomes below 0.00001.
gnomAD v4.1: 2 of 1,613,756 alleles (0.00012%); highest among the groups gnomAD compares: Non-Finnish European, 0.00017%; no homozygotes.

Submission:

Labcorp Genetics (formerly Invitae), Labcorp
Classification: Uncertain significance. Last evaluated: 2023-09-05. Review status: criteria provided, single submitter. Criteria: Invitae Variant Classification Sherloc (09022015). Collection method: clinical testing. Allele origin: germline.
Comment: In summary, the available evidence is currently insufficient to determine the role of this variant in disease. Therefore, it has been classified as a Variant of Uncertain Significance. Experimental studies and prediction algorithms are not available or were not evaluated, and the functional significance of this variant is currently unknown. This variant has not been reported in the literature in individuals affected with KIZ-related conditions. This variant is not present in population databases (gnomAD no frequency). This sequence change replaces cysteine, which is neutral and slightly polar, with phenylalanine, which is neutral and non-polar, at codon 251 of the KIZ protein (p.Cys251Phe).